The following is an entry in ClinVar:

ClinVar aggregate classification (germline): Uncertain significance. Review status: criteria provided, multiple submitters, no conflicts (2 of 4 stars). 2 submissions from 2 submitters: Uncertain significance (2). Last evaluated 2024-10-03.

Conditions:
Benign neonatal seizures. Also called: Benign familial neonatal seizures; Benign neonatal familial convulsions; Benign familial neonatal epilepsy; Convulsions benign familial neonatal dominant form; Autosomal dominant form of benign neonatal seizures. Identifiers: Orphanet 1949, MedGen C0220669, MONDO:0016027.

Submissions (2):

Labcorp Genetics (formerly Invitae), Labcorp
Classification: Uncertain significance for Benign neonatal seizures. Last evaluated: 2024-10-03. Review status: criteria provided, single submitter. Criteria: Invitae Variant Classification Sherloc (09022015). Collection method: clinical testing. Allele origin: germline.
Comment: This variant, c.50_61del, results in the deletion of 4 amino acid(s) of the KCNQ3 protein (p.Asp17_Gly20del), but otherwise preserves the integrity of the reading frame. This variant is not present in population databases (gnomAD no frequency). This variant has not been reported in the literature in individuals affected with KCNQ3-related conditions. ClinVar contains an entry for this variant (Variation ID: 1198686). Experimental studies and prediction algorithms are not available or were not evaluated, and the functional significance of this variant is currently unknown. In summary, the available evidence is currently insufficient to determine the role of this variant in disease. Therefore, it has been classified as a Variant of Uncertain Significance.

GeneDx
Classification: Uncertain significance. Last evaluated: 2020-04-20. Review status: criteria provided, single submitter. Criteria: GeneDx Variant Classification Process June 2021. Collection method: clinical testing. Allele origin: germline. Affected: yes.
Comment: Not observed in large population cohorts (Lek et al., 2016); In-frame deletion of 4 amino acids in a non-repeat region; In silico analysis supports that this variant does not alter protein structure/function; Has not been previously published as pathogenic or benign to our knowledge

NM_004519.4(KCNQ3):c.50_61del (p.Asp17_Gly20del)

Gene: KCNQ3 (potassium voltage-gated channel subfamily Q member 3; minus strand). Cytogenetic location: 8q24.22.
Variant type: Deletion.
Coding change: c.50_61del on transcript NM_004519.4 (MANE Select); coding-DNA positions 50 to 61, 12 bases deleted (ACGGGGGCGGCG).
Protein change: p.Asp17_Gly20del.
Molecular consequence: inframe deletion.
Genome position (GRCh38, 1-based): chr8:132,480,472-132,480,483, CGCCGCCCCCGT deleted on the plus strand (ACGGGGGCGGCG on the coding strand, the reverse complement: KCNQ3 is on the minus strand); deleting any 12 consecutive bases within chr8:132,480,472-132,480,490 gives the same sequence; the c. name uses the placement nearest the transcript's 3' end. VCF-style (leftmost placement, unchanged base first): chr8-132480471-CCGCCGCCCCCGT-C. GRCh37 (hg19) VCF-style: chr8-133492718-CCGCCGCCCCCGT-C.
Identifiers: ClinVar variation 1198686 (VCV001198686.4), dbSNP rs1186895673, ClinGen allele CA847660487.